The following is an entry in ClinVar:

NM_025152.3(NUBPL):c.950C>A (p.Pro317His)

Gene: NUBPL (NUBP iron-sulfur cluster assembly factor, mitochondrial; plus strand). Cytogenetic location: 14q12.
Variant type: single nucleotide variant.
Coding change: c.950C>A on transcript NM_025152.3 (MANE Select); coding-DNA position 950, C replaced by A.
Protein change: p.Pro317His; replaces proline 317 with histidine.
Molecular consequence: missense variant. On other transcripts: non-coding transcript variant (1).
Genome position (GRCh38, 1-based): chr14:31,859,170, C>A. VCF-style: chr14-31859170-C-A. GRCh37 (hg19) VCF-style: chr14-32328376-C-A.
Other names: c.662C>A, p.Pro221His (NM_001201573.2); c.401C>A, p.Pro134His (NM_001201574.2); short protein forms P134H, P221H, P317H.
Identifiers: ClinVar variation 3391754 (VCV003391754.1).

ClinVar aggregate classification (germline): Uncertain significance (1 of 4 stars; one submission).

gnomAD v4.1: 8 of 1,613,830 alleles (0.0005%); highest among the groups gnomAD compares: Admixed American, 0.013%; no homozygotes.

Submission:

GeneDx
Classification: Uncertain significance. Last evaluated: 2024-06-23. Review status: criteria provided, single submitter. Criteria: GeneDx Variant Classification Process June 2021. Collection method: clinical testing. Allele origin: germline. Affected: yes.
Comment: In silico analysis indicates that this missense variant does not alter protein structure/function; Has not been previously published as pathogenic or benign to our knowledge